The following is an entry in ClinVar:

NM_000038.6(APC):c.4999A>G (p.Asn1667Asp)

Gene: APC (APC regulator of Wnt signaling pathway; plus strand). Cytogenetic location: 5q22.2.
Variant type: single nucleotide variant.
Coding change: c.4999A>G on transcript NM_000038.6 (MANE Select); coding-DNA position 4999, A replaced by G.
Protein change: p.Asn1667Asp; replaces asparagine 1667 with aspartic acid.
Molecular consequence: missense variant.
Genome position (GRCh38, 1-based): chr5:112,840,593, A>G. VCF-style: chr5-112840593-A-G. GRCh37 (hg19) VCF-style: chr5-112176290-A-G.
Other names: c.4999A>G, p.Asn1667Asp (NM_001127510.3, NM_001354895.2); c.4945A>G, p.Asn1649Asp (NM_001127511.3); c.5053A>G, p.Asn1685Asp (NM_001354896.2); c.5029A>G, p.Asn1677Asp (NM_001354897.2); c.4924A>G, p.Asn1642Asp (NM_001354898.2); c.4915A>G, p.Asn1639Asp (NM_001354899.2); c.4876A>G, p.Asn1626Asp (NM_001354900.2); c.4822A>G, p.Asn1608Asp (NM_001354901.2); and 5 more; short protein forms N1649D, N1667D, N1507D, N1566D, N1626D, N1685D, N1541D, N1576D.
Identifiers: ClinVar variation 490290 (VCV000490290.16), dbSNP rs775241441, ClinGen allele CA040350.

ClinVar aggregate classification (germline): Uncertain significance. Review status: criteria provided, multiple submitters, no conflicts (2 of 4 stars). 5 submissions from 5 submitters: Uncertain significance (5). Last evaluated 2024-07-21.

Conditions:
Hereditary cancer-predisposing syndrome. Also called: Hereditary Cancer Syndrome; Neoplastic Syndromes, Hereditary; Tumor predisposition; Hereditary neoplastic syndrome. Identifiers: Orphanet 140162, MedGen C0027672, MeSH D009386, MONDO:0015356.
Familial adenomatous polyposis 1 (FAP1). Also called: POLYPOSIS, ADENOMATOUS INTESTINAL; FAMILIAL ADENOMATOUS POLYPOSIS 1, ATTENUATED. Identifiers: MedGen C2713442, MONDO:0021056, OMIM 175100. Disease mechanism: loss of function.

Allele frequency attached by ClinVar (database versions not stated): gnomAD exomes below 0.00001 and 0.00002; ExAC 0.00003.
gnomAD v4.1: 7 of 1,614,078 alleles (0.00043%); highest among the groups gnomAD compares: South Asian, 0.0033%; no homozygotes.

Submissions (5):

Ambry Genetics
Classification: Uncertain significance for Hereditary cancer-predisposing syndrome. Last evaluated: 2024-07-21. Review status: criteria provided, single submitter. Criteria: Ambry Variant Classification Scheme 2023. Collection method: clinical testing. Allele origin: germline.
Comment: The p.N1667D variant (also known as c.4999A>G), located in coding exon 15 of the APC gene, results from an A to G substitution at nucleotide position 4999. The asparagine at codon 1667 is replaced by aspartic acid, an amino acid with highly similar properties. Missense alterations in APC are not a common cause of disease (Spier I et al. Genet Med. 2024 Feb;26(2):100992). This amino acid position is well conserved in available vertebrate species. In addition, in silico predictors for this gene do not accurately predict pathogenicity. Based on the available evidence, the clinical significance of this variant remains unclear.

Color Diagnostics, LLC DBA Color Health
Classification: Uncertain significance for Hereditary cancer-predisposing syndrome. Last evaluated: 2023-08-30. Review status: criteria provided, single submitter. Criteria: ACMG Guidelines, 2015. Collection method: clinical testing. Allele origin: germline.
Comment: This missense variant replaces asparagine with aspartic acid at codon 1667 of the APC protein. Computational prediction suggests that this variant may not impact protein structure and function (internally defined REVEL score threshold <= 0.5, PMID: 27666373). To our knowledge, functional studies have not been reported for this variant. This variant has not been reported in individuals affected with APC-related disorders in the literature. This variant has been identified in 4/250368 chromosomes in the general population by the Genome Aggregation Database (gnomAD). The available evidence is insufficient to determine the role of this variant in disease conclusively. Therefore, this variant is classified as a Variant of Uncertain Significance.

Labcorp Genetics (formerly Invitae), Labcorp
Classification: Uncertain significance for Familial adenomatous polyposis 1. Last evaluated: 2022-11-15. Review status: criteria provided, single submitter. Criteria: Invitae Variant Classification Sherloc (09022015). Collection method: clinical testing. Allele origin: germline.
Comment: In summary, the available evidence is currently insufficient to determine the role of this variant in disease. Therefore, it has been classified as a Variant of Uncertain Significance. Advanced modeling of protein sequence and biophysical properties (such as structural, functional, and spatial information, amino acid conservation, physicochemical variation, residue mobility, and thermodynamic stability) performed at Invitae indicates that this missense variant is not expected to disrupt APC protein function. ClinVar contains an entry for this variant (Variation ID: 490290). This variant has not been reported in the literature in individuals affected with APC-related conditions. This variant is present in population databases (rs775241441, gnomAD 0.003%). This sequence change replaces asparagine, which is neutral and polar, with aspartic acid, which is acidic and polar, at codon 1667 of the APC protein (p.Asn1667Asp).

GeneDx
Classification: Uncertain significance. Last evaluated: 2020-06-30. Review status: criteria provided, single submitter. Criteria: GeneDx Variant Classification Process June 2021. Collection method: clinical testing. Allele origin: germline. Affected: yes.
Comment: Not observed at a significant frequency in large population cohorts (Lek 2016); In silico analysis supports that this missense variant does not alter protein structure/function; Has not been previously published as pathogenic or benign to our knowledge

Mendelics
Classification: Uncertain significance for Familial adenomatous polyposis 1. Last evaluated: 2018-07-02. Review status: criteria provided, single submitter. Criteria: Mendelics Assertion Criteria 2017. Collection method: clinical testing. Allele origin: unknown.